The following is an entry in ClinVar:

ClinVar aggregate classification (germline): Uncertain significance (1 of 4 stars; one submission).

Allele frequency attached by ClinVar (database versions not stated): ExAC 0.00001; gnomAD exomes 0.00001; gnomAD 0.00002; TOPMed 0.00005.
gnomAD v4.1: 21 of 1,613,934 alleles (0.0013%); highest among the groups gnomAD compares: African/African-American, 0.008%; no homozygotes.

Submission:

Labcorp Genetics (formerly Invitae), Labcorp
Classification: Uncertain significance. Last evaluated: 2022-10-05. Review status: criteria provided, single submitter. Criteria: Invitae Variant Classification Sherloc (09022015). Collection method: clinical testing. Allele origin: germline.
Comment: This sequence change replaces arginine, which is basic and polar, with tryptophan, which is neutral and slightly polar, at codon 714 of the HPS3 protein (p.Arg714Trp). This variant is present in population databases (rs760701467, gnomAD 0.007%). This variant has not been reported in the literature in individuals affected with HPS3-related conditions. Advanced modeling of protein sequence and biophysical properties (such as structural, functional, and spatial information, amino acid conservation, physicochemical variation, residue mobility, and thermodynamic stability) performed at Invitae indicates that this missense variant is expected to disrupt HPS3 protein function. Algorithms developed to predict the effect of sequence changes on RNA splicing suggest that this variant may create or strengthen a splice site. In summary, the available evidence is currently insufficient to determine the role of this variant in disease. Therefore, it has been classified as a Variant of Uncertain Significance.

NM_032383.5(HPS3):c.2140C>T (p.Arg714Trp)

Gene: HPS3 (HPS3 biogenesis of lysosomal organelles complex 2 subunit 1; plus strand). Cytogenetic location: 3q24.
Variant type: single nucleotide variant.
Coding change: c.2140C>T on transcript NM_032383.5 (MANE Select); coding-DNA position 2140, C replaced by T.
Protein change: p.Arg714Trp; replaces arginine 714 with tryptophan.
Molecular consequence: missense variant.
Genome position (GRCh38, 1-based): chr3:149,162,181, C>T. VCF-style: chr3-149162181-C-T. GRCh37 (hg19) VCF-style: chr3-148879968-C-T.
Other names: c.1645C>T, p.Arg549Trp (NM_001308258.2); short protein forms R549W, R714W.
Identifiers: ClinVar variation 2181568 (VCV002181568.1), dbSNP rs760701467, ClinGen allele CA2660248.
Genomic context (GRCh38, chr3:149,162,181, plus strand): 5'-GTTCCTAAATTTCTTTCTTATCTGAAGATGAAGTTGGTATGTGGCTTCATTCTGGAACCT[C>T]GGCTGTTGATTCAACAGAGAAAGGGACAGATTGTTCCAACCGAGCTTGCACTTCACTTGA-3'
Protein context (NP_115759.2, residues 704-724): KLVCGFILEP[Arg714Trp]LLIQQRKGQI